The following is an entry in ClinVar:

NM_001197104.2(KMT2A):c.10405C>A (p.His3469Asn)

Gene: KMT2A (lysine methyltransferase 2A; plus strand). Cytogenetic location: 11q23.3.
Variant type: single nucleotide variant.
Coding change: c.10405C>A on transcript NM_001197104.2 (MANE Select); coding-DNA position 10405, C replaced by A.
Protein change: p.His3469Asn; replaces histidine 3469 with asparagine.
Molecular consequence: missense variant.
Genome position (GRCh38, 1-based): chr11:118,506,297, C>A. VCF-style: chr11-118506297-C-A. GRCh37 (hg19) VCF-style: chr11-118377012-C-A.
Other names: c.10396C>A, p.His3466Asn (NM_005933.4); short protein forms H3466N, H3469N.
Identifiers: ClinVar variation 1363002 (VCV001363002.8), dbSNP rs1434227722, ClinGen allele CA382825661.

ClinVar aggregate classification (germline): Uncertain significance (1 of 4 stars; one submission).

Allele frequency attached by ClinVar (database versions not stated): gnomAD exomes below 0.00001.
gnomAD v4.1: 3 of 1,614,188 alleles (0.00019%); highest among the groups gnomAD compares: Non-Finnish European, 0.00025%; no homozygotes.

Submission:

Labcorp Genetics (formerly Invitae), Labcorp
Classification: Uncertain significance. Last evaluated: 2021-06-22. Review status: criteria provided, single submitter. Criteria: Invitae Variant Classification Sherloc (09022015). Collection method: clinical testing. Allele origin: germline.
Comment: This variant has not been reported in the literature in individuals with KMT2A-related conditions. This variant is not present in population databases (ExAC no frequency). This sequence change replaces histidine with asparagine at codon 3469 of the KMT2A protein (p.His3469Asn). The histidine residue is weakly conserved and there is a small physicochemical difference between histidine and asparagine. In summary, the available evidence is currently insufficient to determine the role of this variant in disease. Therefore, it has been classified as a Variant of Uncertain Significance. Advanced modeling of protein sequence and biophysical properties (such as structural, functional, and spatial information, amino acid conservation, physicochemical variation, residue mobility, and thermodynamic stability) performed at Invitae indicates that this missense variant is not expected to disrupt KMT2A protein function.